The following is an entry in ClinVar:

ClinVar aggregate classification (germline): Pathogenic (1 of 4 stars; one submission).

Conditions:
Hereditary cancer-predisposing syndrome. Also called: Hereditary Cancer Syndrome; Hereditary neoplastic syndrome; Neoplastic Syndromes, Hereditary; Tumor predisposition. Identifiers: Orphanet 140162, MedGen C0027672, MeSH D009386, MONDO:0015356.

Submission:

Ambry Genetics
Classification: Pathogenic for Hereditary cancer-predisposing syndrome. Last evaluated: 2020-03-18. Review status: criteria provided, single submitter. Criteria: Ambry Variant Classification Scheme 2023. Collection method: clinical testing. Allele origin: germline.
Comment: The p.C1958* pathogenic mutation (also known as c.5874T>A), located in coding exon 10 of the BRCA2 gene, results from a T to A substitution at nucleotide position 5874. This changes the amino acid from a cysteine to a stop codon within coding exon 10. This alteration is expected to result in loss of function by premature protein truncation or nonsense-mediated mRNA decay. As such, this alteration is interpreted as a disease-causing mutation.

NM_000059.4(BRCA2):c.5874T>A (p.Cys1958Ter)

Gene: BRCA2 (BRCA2 DNA repair associated; plus strand). Cytogenetic location: 13q13.1.
Variant type: single nucleotide variant.
Coding change: c.5874T>A on transcript NM_000059.4 (MANE Select); coding-DNA position 5874, T replaced by A.
Protein change: p.Cys1958Ter; replaces cysteine 1958 with a stop codon.
Molecular consequence: nonsense.
Genome position (GRCh38, 1-based): chr13:32,340,229, T>A. VCF-style: chr13-32340229-T-A. GRCh37 (hg19) VCF-style: chr13-32914366-T-A.
Other names: c.5874T>A, p.Cys1958Ter (NM_001406719.1, NM_001406720.1); short protein forms C1958*.
Identifiers: ClinVar variation 1750212 (VCV001750212.2), dbSNP rs1593906771, ClinGen allele CA387787443.